The following is an entry in ClinVar:

NM_001267550.2(TTN):c.90173_90196dup (p.Tyr30065_Val30066insGlyGlySerValIleThrGluTyr)

Genes: TTN (titin; minus strand), TTN-AS1 (TTN antisense RNA 1; plus strand). Cytogenetic location: 2q31.2.
Variant type: Duplication.
Coding change: c.90173_90196dup on transcript NM_001267550.2 (MANE Select); coding-DNA positions 90173 to 90196, 24 bases duplicated (GTGGTAGCGTCATCACAGAATATG).
Protein change: p.Tyr30065_Val30066insGlyGlySerValIleThrGluTyr.
Molecular consequence: inframe insertion.
Genome position (GRCh38, 1-based): chr2:178,552,704-178,552,727, CATATTCTGTGATGACGCTACCAC duplicated on the plus strand (GTGGTAGCGTCATCACAGAATATG on the coding strand, the reverse complement: TTN is on the minus strand); duplicating any 24 consecutive bases within chr2:178,552,704-178,552,730 gives the same sequence; the c. name uses the placement nearest the transcript's 3' end. VCF-style (leftmost placement, unchanged base first): chr2-178552703-A-ACATATTCTGTGATGACGCTACCAC. GRCh37 (hg19) VCF-style: chr2-179417430-A-ACATATTCTGTGATGACGCTACCAC.
Other names: c.85250_85273dup, p.Tyr28424_Val28425insGlyGlySerValIleThrGluTyr (NM_001256850.1); c.62978_63001dup, p.Tyr21000_Val21001insGlyGlySerValIleThrGluTyr (NM_003319.4); c.82469_82492dup, p.Tyr27497_Val27498insGlyGlySerValIleThrGluTyr (NM_133378.4); c.63353_63376dup, p.Tyr21125_Val21126insGlyGlySerValIleThrGluTyr (NM_133432.3); c.63554_63577dup, p.Tyr21192_Val21193insGlyGlySerValIleThrGluTyr (NM_133437.4); c.62978_63001dupGTGGTAGCGTCATCACAGAATATG (NM_003319.4).
Identifiers: ClinVar variation 2566448 (VCV002566448.2), dbSNP rs2469300199, ClinGen allele CA2580614461.

ClinVar aggregate classification (germline): Uncertain significance (1 of 4 stars; one submission).

Conditions:
Cardiovascular phenotype. Identifiers: MedGen CN230736.

Submission:

Ambry Genetics
Classification: Uncertain significance for Cardiovascular phenotype. Last evaluated: 2023-06-14. Review status: criteria provided, single submitter. Criteria: Ambry Variant Classification Scheme 2023. Collection method: clinical testing. Allele origin: germline.
Comment: The c.62978_63001dup24 variant (also known as p.G20993_Y21000dup), located in coding exon 162 of the TTN gene, results from an in-frame duplication of 24 nucleotides at nucleotide positions 62978 to 63001. This results in the duplication of 8 extra residues (GGSVITEY) between codons 20993 and 21000. The amino acid positions range from highly conserved to poorly in available vertebrate species. In addition, this alteration is predicted to be deleterious by in silico analysis (Choi Y et al. PLoS ONE. 2012; 7(10):e46688). Since supporting evidence is limited at this time, the clinical significance of this alteration remains unclear.